The following is an entry in ClinVar:

NM_000642.3(AGL):c.2204_2205del (p.His735fs)

Gene: AGL (amylo-alpha-1,6-glucosidase and 4-alpha-glucanotransferase; plus strand). Cytogenetic location: 1p21.2.
Variant type: Microsatellite.
Coding change: c.2204_2205del on transcript NM_000642.3 (MANE Select); coding-DNA positions 2204 to 2205, 2 bases deleted (AC; older notation c.2204_2205delAC).
Protein change: p.His735fs; shifts the reading frame from histidine 735.
Molecular consequence: frameshift variant.
Genome position (GRCh38, 1-based): chr1:99,881,587-99,881,588, AC deleted; deleting any 2 consecutive bases within chr1:99,881,585-99,881,588 gives the same sequence; the c. name uses the placement nearest the transcript's 3' end. VCF-style (leftmost placement, unchanged base first): chr1-99881584-GAC-G. GRCh37 (hg19) VCF-style: chr1-100347140-GAC-G.
Other names: c.1998_1999AC[1], p.His667Leufs (NM_001425329.1, NM_001425328.1); c.1824_1825AC[1], p.His609Leufs (NM_001425332.1); c.2202_2203AC[1], p.His735Leufs (NM_000028.3, NM_000643.3, NM_000644.3 and 2 more transcripts); c.2154_2155AC[1], p.His719Leufs (NM_000646.3); c.2001_2002AC[1], p.His668Leufs (NM_001425327.1); short protein forms H719fs, H735fs.
Identifiers: ClinVar variation 2700574 (VCV002700574.3), dbSNP rs2524653832, ClinGen allele CA2697552606.
Genomic context (GRCh38, chr1:99,881,584, plus strand): 5'-TTCTTTCTGCTTCTCAGGTGTATGTGGATCAAGTTGATGAAGACATAGTGGCAGTAACAA[GAC>G]ACTCACCTAGCATCCATCAGTCTGTTGTGGCTGTATCTAGAACTGCTTTCAGGAATCCCA-3'

ClinVar aggregate classification (germline): Pathogenic (1 of 4 stars; one submission).

Conditions:
Glycogen storage disease type III (GSD3). Also called: Cori disease; FORBES DISEASE. Identifiers: Orphanet 366, MedGen C0017922, MONDO:0009291, OMIM 232400.

Submission:

Labcorp Genetics (formerly Invitae), Labcorp
Classification: Pathogenic for Glycogen storage disease type III. Last evaluated: 2023-12-02. Review status: criteria provided, single submitter. Criteria: Invitae Variant Classification Sherloc (09022015). Collection method: clinical testing. Allele origin: germline.
Comment: This sequence change creates a premature translational stop signal (p.His735Leufs*3) in the AGL gene. It is expected to result in an absent or disrupted protein product. Loss-of-function variants in AGL are known to be pathogenic (PMID: 19299494). This variant is not present in population databases (gnomAD no frequency). This variant has not been reported in the literature in individuals affected with AGL-related conditions. For these reasons, this variant has been classified as Pathogenic.

Literature cited by the submitters: PubMed 19299494.